The following is an entry in ClinVar:

ClinVar aggregate classification (germline): Uncertain significance. Review status: criteria provided, multiple submitters, no conflicts (2 of 4 stars). 5 submissions from 5 submitters: Uncertain significance (4). 1 of the submissions does not count toward it. Last evaluated 2025-02-24.

Conditions:
Inborn genetic diseases. Identifiers: MedGen C0950123, MeSH D030342.
Deficiency of hydroxymethylglutaryl-CoA lyase (HMGCLD). Also called: HMG-CoA LYASE DEFICIENCY; HMGCL DEFICIENCY; HYDROXYMETHYLGLUTARIC ACIDURIA; Defect in leucine metabolism; 3-hydroxy-3-methylglutaric aciduria. Identifiers: Orphanet 20, MedGen C1533587, MONDO:0009520, OMIM 246450.
Long chain 3-hydroxyacyl-CoA dehydrogenase deficiency. Also called: Deficiency of long-chain 3-hydroxyacyl-coenzyme A dehydrogenase; LCHAD Deficiency. Identifiers: Orphanet 5, MedGen C3711645, MONDO:0012173, OMIM 609016.

Allele frequency attached by ClinVar (database versions not stated): ExAC 0.00004; gnomAD exomes 0.00004; gnomAD 0.00012; TOPMed 0.00014; 1000 Genomes Project 30x 0.00016; 1000 Genomes Project 0.00020; ESP Exome Variant Server 0.00023.
gnomAD v4.1: 45 of 1,614,048 alleles (0.0028%); highest among the groups gnomAD compares: African/African-American, 0.037%; no homozygotes.

Submissions (5):

Ambry Genetics
Classification: Uncertain significance for Inborn genetic diseases. Last evaluated: 2025-02-24. Review status: criteria provided, single submitter. Criteria: Ambry Variant Classification Scheme 2023. Collection method: clinical testing. Allele origin: germline.

GeneDx
Classification: Uncertain significance. Last evaluated: 2024-07-03. Review status: criteria provided, single submitter. Criteria: GeneDx Variant Classification Process June 2021. Collection method: clinical testing. Allele origin: germline. Affected: yes.
Comment: Has not been previously published as pathogenic or benign to our knowledge; In silico analysis supports that this missense variant has a deleterious effect on protein structure/function

Labcorp Genetics (formerly Invitae), Labcorp
Classification: Uncertain significance for Deficiency of hydroxymethylglutaryl-CoA lyase. Last evaluated: 2024-02-23. Review status: criteria provided, single submitter. Criteria: Invitae Variant Classification Sherloc (09022015). Collection method: clinical testing. Allele origin: germline.
Comment: This sequence change replaces asparagine, which is neutral and polar, with serine, which is neutral and polar, at codon 140 of the HMGCL protein (p.Asn140Ser). This variant is present in population databases (rs148032473, gnomAD 0.03%). This variant has not been reported in the literature in individuals affected with HMGCL-related conditions. ClinVar contains an entry for this variant (Variation ID: 967513). Advanced modeling of protein sequence and biophysical properties (such as structural, functional, and spatial information, amino acid conservation, physicochemical variation, residue mobility, and thermodynamic stability) performed at Invitae indicates that this missense variant is expected to disrupt HMGCL protein function with a positive predictive value of 80%. In summary, the available evidence is currently insufficient to determine the role of this variant in disease. Therefore, it has been classified as a Variant of Uncertain Significance.

Genome-Nilou Lab
Classification: Uncertain significance for Deficiency of hydroxymethylglutaryl-CoA lyase. Last evaluated: 2023-04-11. Review status: criteria provided, single submitter. Criteria: ACMG Guidelines, 2015. Collection method: clinical testing. Allele origin: germline. Affected: no.

Natera, Inc.
Classification: Uncertain significance for Deficiency of long-chain 3-hydroxyacyl-coenzyme A dehydrogenase. Last evaluated: 2020-03-03. Review status: no assertion criteria provided. Collection method: clinical testing. Allele origin: germline. Not counted in ClinVar's aggregate classification.

NM_000191.3(HMGCL):c.419A>G (p.Asn140Ser)

Gene: HMGCL (3-hydroxy-3-methylglutaryl-CoA lyase; minus strand). Cytogenetic location: 1p36.11.
Variant type: single nucleotide variant.
Coding change: c.419A>G on transcript NM_000191.3 (MANE Select); coding-DNA position 419, A replaced by G.
Protein change: p.Asn140Ser; replaces asparagine 140 with serine.
Molecular consequence: missense variant. On other transcripts: intron variant (1).
Genome position (GRCh38, 1-based): chr1:23,814,268, T>C on the plus strand (A>G on the coding strand, the complement: HMGCL is on the minus strand). VCF-style: chr1-23814268-T-C. GRCh37 (hg19) VCF-style: chr1-24140758-T-C.
Other names: c.348+2407A>G (NM_001166059.2); short protein forms N140S.
Identifiers: ClinVar variation 967513 (VCV000967513.8), dbSNP rs148032473, ClinGen allele CA686105.